The following is an entry in ClinVar:

NC_000015.9:g.(?_48805726)_(48813034_?)del

Gene: FBN1 (fibrillin 1; minus strand). Cytogenetic location: 15q21.1.
Variant type: Deletion.
Identifiers: ClinVar variation 1459631 (VCV001459631.4).

ClinVar aggregate classification (germline): Pathogenic (1 of 4 stars; one submission).

Conditions:
Marfan syndrome (MFS). Also called: MARFAN SYNDROME, TYPE I; Marfan syndrome type 1; Marfan's syndrome; Marfan syndrome, classic; FBN1-Related Marfan Syndrome. Identifiers: Orphanet 284963, Orphanet 558, MedGen C0024796, MONDO:0007947, OMIM 154700.
Familial thoracic aortic aneurysm and aortic dissection (TAAD). Also called: Thoracic aortic aneurysms and dissections. Identifiers: Orphanet 91387, MedGen C4707243, MONDO:0019625.

Submission:

Labcorp Genetics (formerly Invitae), Labcorp
Classification: Pathogenic for Marfan syndrome; Familial thoracic aortic aneurysm and aortic dissection. Last evaluated: 2021-08-26. Review status: criteria provided, single submitter. Criteria: Invitae Variant Classification Sherloc (09022015). Collection method: clinical testing. Allele origin: germline.
Comment: For these reasons, this variant has been classified as Pathogenic. This variant disrupts a region of the FBN1 protein in which other variant(s) (p.Tyr519Cys) have been determined to be pathogenic (PMID: 15241795; Invitae). This suggests that this is a clinically significant region of the protein, and that variants that disrupt it are likely to be disease-causing. A similar copy number variant has been observed in individual(s) with FBN1-related conditions (Invitae). This variant is a gross deletion of the genomic region encompassing exon(s) 10-13 of the FBN1 gene. This variant would be expected to be in-frame, preserving the integrity of the reading frame.

Literature cited by the submitters: PubMed 15241795.